The following is an entry in ClinVar:

ClinVar aggregate classification (germline): Pathogenic/Likely pathogenic. Review status: criteria provided, multiple submitters, no conflicts (2 of 4 stars). 2 submissions from 2 submitters: Pathogenic (1); Likely pathogenic (1). Last evaluated 2025-03-03.

Conditions:
Juvenile myelomonocytic leukemia (JMML). Also called: LEUKEMIA, JUVENILE MYELOMONOCYTIC, SOMATIC. Identifiers: Orphanet 86834, MedGen C0349639, MONDO:0011908, OMIM 607785, HP:0012209.
Neurofibromatosis, type 1 (NF1). Also called: NEUROFIBROMATOSIS, TYPE I, SOMATIC; Peripheral type neurofibromatosis; VON RECKLINGHAUSEN DISEASE; Neurofibromatosis, type I. Identifiers: Orphanet 636, MedGen C0027831, MONDO:0018975, OMIM 162200. Disease mechanism: loss of function.

Submissions (2):

Labcorp Genetics (formerly Invitae), Labcorp
Classification: Pathogenic for Neurofibromatosis, type 1. Last evaluated: 2025-03-03. Review status: criteria provided, single submitter. Criteria: Invitae Variant Classification Sherloc (09022015). Collection method: clinical testing. Allele origin: germline.
Comment: This sequence change creates a premature translational stop signal (p.Val2711Leufs*7) in the NF1 gene. It is expected to result in an absent or disrupted protein product. Loss-of-function variants in NF1 are known to be pathogenic (PMID: 10712197, 23913538). This variant is not present in population databases (gnomAD no frequency). This variant has not been reported in the literature in individuals affected with NF1-related conditions. ClinVar contains an entry for this variant (Variation ID: 2677237). For these reasons, this variant has been classified as Pathogenic.

Baylor Genetics
Classification: Likely pathogenic for Juvenile myelomonocytic leukemia. Last evaluated: 2021-11-08. Review status: criteria provided, single submitter. Criteria: ACMG Guidelines, 2015. Collection method: clinical testing. Allele origin: unknown.

Literature cited by the submitters: PubMed 10712197 (cited by Labcorp Genetics (formerly Invitae), Labcorp); PubMed 23913538 (cited by Labcorp Genetics (formerly Invitae), Labcorp).

NM_001042492.3(NF1):c.8194del (p.Val2732fs)

Gene: NF1 (neurofibromin 1; plus strand). Cytogenetic location: 17q11.2.
Variant type: Deletion.
Coding change: c.8194del on transcript NM_001042492.3 (MANE Select); coding-DNA position 8194, one base deleted (G; older notation c.8194delG).
Protein change: p.Val2732fs; shifts the reading frame from valine 2732.
Molecular consequence: frameshift variant.
Genome position (GRCh38, 1-based): chr17:31,360,520, G deleted. VCF-style (leftmost placement, unchanged base first): chr17-31360519-TG-T. GRCh37 (hg19) VCF-style: chr17-29687537-TG-T.
Other names: c.8131delG, p.Val2711Leufs (NM_000267.4); short protein forms V2711fs, V2732fs.
Identifiers: ClinVar variation 2677237 (VCV002677237.3), dbSNP rs2508842735, ClinGen allele CA2695201302.